The following is an entry in ClinVar:

NM_032638.5(GATA2):c.368A>G (p.Lys123Arg)

Gene: GATA2 (GATA binding protein 2; minus strand). Cytogenetic location: 3q21.3.
Variant type: single nucleotide variant.
Coding change: c.368A>G on transcript NM_032638.5 (MANE Select); coding-DNA position 368, A replaced by G.
Protein change: p.Lys123Arg; replaces lysine 123 with arginine.
Molecular consequence: missense variant.
Genome position (GRCh38, 1-based): chr3:128,486,230, T>C on the plus strand (A>G on the coding strand, the complement: GATA2 is on the minus strand). VCF-style: chr3-128486230-T-C. GRCh37 (hg19) VCF-style: chr3-128205073-T-C.
Other names: c.368A>G, p.Lys123Arg (NM_001145661.2, NM_001145662.1); short protein forms K123R.
Identifiers: ClinVar variation 1398898 (VCV001398898.6), dbSNP rs2107672765, ClinGen allele CA354407081.

ClinVar aggregate classification (germline): Uncertain significance (1 of 4 stars; one submission).

Conditions:
Monocytopenia with susceptibility to infections. Also called: MONOCYTOPENIA AND MYCOBACTERIAL INFECTION SYNDROME; MONOCYTOPENIA WITH SUSCEPTIBILITY TO MYCOBACTERIAL, FUNGAL, AND PAPILLOMAVIRUS INFECTIONS AND MYELODYSPLASIA; COMBINED IMMUNODEFICIENCY WITH SUSCEPTIBILITY TO MYCOBACTERIAL, VIRAL, AND FUNGAL INFECTIONS; Dendritic cell, monocyte, B lymphocyte, and natural killer lymphocyte deficiency; IMMUNODEFICIENCY 21; GATA2 DEFICIENCY. Identifiers: Orphanet 228423, MedGen C3280030, MONDO:0013607, OMIM 614172.
Deafness-lymphedema-leukemia syndrome. Also called: Emberger syndrome; Lymphedema, primary, with myelodysplasia. Identifiers: Orphanet 3226, MedGen C3279664, MONDO:0013540, OMIM 614038.

Submission:

Labcorp Genetics (formerly Invitae), Labcorp
Classification: Uncertain significance for Monocytopenia with susceptibility to infections; Deafness-lymphedema-leukemia syndrome. Last evaluated: 2021-10-10. Review status: criteria provided, single submitter. Criteria: Invitae Variant Classification Sherloc (09022015). Collection method: clinical testing. Allele origin: germline.
Comment: This variant is not present in population databases (ExAC no frequency). This sequence change replaces lysine with arginine at codon 123 of the GATA2 protein (p.Lys123Arg). The lysine residue is moderately conserved and there is a small physicochemical difference between lysine and arginine. This variant has not been reported in the literature in individuals affected with GATA2-related conditions. Algorithms developed to predict the effect of missense changes on protein structure and function are either unavailable or do not agree on the potential impact of this missense change (SIFT: "Tolerated"; PolyPhen-2: "Probably Damaging"; Align-GVGD: "Class C0"). Algorithms developed to predict the effect of sequence changes on RNA splicing suggest that this variant may create or strengthen a splice site. In summary, the available evidence is currently insufficient to determine the role of this variant in disease. Therefore, it has been classified as a Variant of Uncertain Significance.